The following is an entry in ClinVar:

ClinVar aggregate classification (germline): Pathogenic. Review status: criteria provided, multiple submitters, no conflicts (2 of 4 stars). 2 submissions from 2 submitters: Pathogenic (2). Last evaluated 2026-07-29.

Conditions:
Cornelia de Lange syndrome 3 (CDLS3). Also called: CORNELIA DE LANGE SYNDROME 3 WITH OR WITHOUT MIDLINE BRAIN DEFECTS; SMC3-Related Cornelia de Lange Syndrome. Identifiers: Orphanet 199, MedGen C1853099, MONDO:0012555, OMIM 610759.

Submissions (2):

GeneDx
Classification: Pathogenic. Last evaluated: 2026-07-29. Review status: criteria provided, single submitter. Criteria: GeneDx Variant Classification Process June 2021. Collection method: clinical testing. Allele origin: germline.
Comment: Frameshift variant predicted to result in protein truncation or nonsense mediated decay in a gene for which loss of function is a known mechanism of disease; Not observed at significant frequency in large population cohorts (gnomAD); Has not been previously published as pathogenic or benign to our knowledge

Labcorp Genetics (formerly Invitae), Labcorp
Classification: Pathogenic for Cornelia de Lange syndrome 3. Last evaluated: 2024-11-06. Review status: criteria provided, single submitter. Criteria: Invitae Variant Classification Sherloc (09022015). Collection method: clinical testing. Allele origin: germline.
Comment: This sequence change creates a premature translational stop signal (p.Gln494Hisfs*14) in the SMC3 gene. It is expected to result in an absent or disrupted protein product. Loss-of-function variants in SMC3 are known to be pathogenic (PMID: 17273969, 38297832). This variant is not present in population databases (gnomAD no frequency). This variant has not been reported in the literature in individuals affected with SMC3-related conditions. ClinVar contains an entry for this variant (Variation ID: 2716605). For these reasons, this variant has been classified as Pathogenic.

Literature cited by the submitters: PubMed 17273969 (cited by Labcorp Genetics (formerly Invitae), Labcorp); PubMed 38297832 (cited by Labcorp Genetics (formerly Invitae), Labcorp).

NM_005445.4(SMC3):c.1480_1481dup (p.Gln494fs)

Gene: SMC3 (structural maintenance of chromosomes 3; plus strand). Cytogenetic location: 10q25.2.
Variant type: Duplication.
Coding change: c.1480_1481dup on transcript NM_005445.4 (MANE Select); coding-DNA positions 1480 to 1481, 2 bases duplicated (CA; older notation c.1480_1481dupCA).
Protein change: p.Gln494fs; shifts the reading frame from glutamine 494.
Molecular consequence: frameshift variant.
Genome position (GRCh38, 1-based): chr10:110,589,962-110,589,963, CA duplicated. VCF-style (leftmost placement, unchanged base first): chr10-110589961-G-GCA. GRCh37 (hg19) VCF-style: chr10-112349719-G-GCA.
Other names: short protein forms Q494fs.
Identifiers: ClinVar variation 2716605 (VCV002716605.5), dbSNP rs2493126414, ClinGen allele CA2697555526.
Genomic context (GRCh38, chr10:110,589,961, plus strand): 5'-GAGAGAAGAGAATGCAGAACAGCAAGCACTTGCTGCTAAAAGAGAAGATCTTGAAAAGAA[G>GCA]CAACAACTTCTTAGAGCAGCAACAGGAAAGGTGGGCAGGTTCTTTTCATCACCTCTGTTT-3'